The following is an entry in ClinVar:

NM_014714.4(IFT140):c.3038C>T (p.Ser1013Phe)

Genes: IFT140 (intraflagellar transport 140; minus strand), LOC126862260 (CDK7 strongly-dependent group 2 enhancer GRCh37_chr16:1574508-1575707; plus strand). Cytogenetic location: 16p13.3.
Variant type: single nucleotide variant.
Coding change: c.3038C>T on transcript NM_014714.4 (MANE Select); coding-DNA position 3038, C replaced by T.
Protein change: p.Ser1013Phe; replaces serine 1013 with phenylalanine.
Molecular consequence: missense variant.
Genome position (GRCh38, 1-based): chr16:1,524,655, G>A on the plus strand (C>T on the coding strand, the complement: IFT140 is on the minus strand). VCF-style: chr16-1524655-G-A. GRCh37 (hg19) VCF-style: chr16-1574656-G-A.
Other names: short protein forms S1013F.
Identifiers: ClinVar variation 1368274 (VCV001368274.8), dbSNP rs2141171017, ClinGen allele CA394226059.

ClinVar aggregate classification (germline): Uncertain significance (1 of 4 stars; one submission).

Conditions:
Saldino-Mainzer syndrome (SRTD9). Also called: CONORENAL SYNDROME; Renal dysplasia, retinal pigmentary dystrophy, cerebellar ataxia and skeletal dysplasia; SHORT-RIB THORACIC DYSPLASIA 9 WITHOUT POLYDACTYLY; short-rib thoracic dysplasia 9 with or without polydactyly. Identifiers: Orphanet 140969, MedGen C1849437, MONDO:0009964, OMIM 266920.

Allele frequency attached by ClinVar (database versions not stated): gnomAD exomes below 0.00001.
gnomAD v4.1: 1 of 1,582,622 alleles (0.000063%); highest among the groups gnomAD compares: Non-Finnish European, 0.000086%; no homozygotes.

Submission:

Labcorp Genetics (formerly Invitae), Labcorp
Classification: Uncertain significance for Saldino-Mainzer syndrome. Last evaluated: 2021-07-17. Review status: criteria provided, single submitter. Criteria: Invitae Variant Classification Sherloc (09022015). Collection method: clinical testing. Allele origin: germline.
Comment: In summary, the available evidence is currently insufficient to determine the role of this variant in disease. Therefore, it has been classified as a Variant of Uncertain Significance. Algorithms developed to predict the effect of missense changes on protein structure and function are either unavailable or do not agree on the potential impact of this missense change (SIFT: "Tolerated"; PolyPhen-2: "Possibly Damaging"; Align-GVGD: "Class C0"). This variant has not been reported in the literature in individuals affected with IFT140-related conditions. This variant is not present in population databases (ExAC no frequency). This sequence change replaces serine with phenylalanine at codon 1013 of the IFT140 protein (p.Ser1013Phe). The serine residue is moderately conserved and there is a large physicochemical difference between serine and phenylalanine.